The following is an entry in ClinVar:

ClinVar aggregate classification (germline): Uncertain significance. Review status: criteria provided, single submitter (1 of 4 stars). 2 submissions from 2 submitters: Uncertain significance (1). 1 of the submissions does not count toward it. Last evaluated 2022-03-26.

Conditions:
Primary hyperoxaluria, type I (HP1). Also called: GLYCOLIC ACIDURIA; HEPATIC AGT DEFICIENCY; OXALOSIS I; Primary hyperoxaluria type 1. Identifiers: Orphanet 416, Orphanet 93598, MedGen C0268164, MONDO:0009823, OMIM 259900. Disease mechanism: loss of function.

Submissions (2):

Labcorp Genetics (formerly Invitae), Labcorp
Classification: Uncertain significance. Last evaluated: 2022-03-26. Review status: criteria provided, single submitter. Criteria: Invitae Variant Classification Sherloc (09022015). Collection method: clinical testing. Allele origin: germline.
Comment: This sequence change replaces glutamine, which is neutral and polar, with arginine, which is basic and polar, at codon 282 of the AGXT protein (p.Gln282Arg). This variant is not present in population databases (gnomAD no frequency). This missense change has been observed in individual(s) with primary hyperoxaluria type 1 (PMID: 19479957). In summary, the available evidence is currently insufficient to determine the role of this variant in disease. Therefore, it has been classified as a Variant of Uncertain Significance. Algorithms developed to predict the effect of sequence changes on RNA splicing suggest that this variant may disrupt the consensus splice site. Experimental studies have shown that this missense change does not substantially affect AGXT function (PMID: 24718375). Algorithms developed to predict the effect of missense changes on protein structure and function (SIFT, PolyPhen-2, Align-GVGD) all suggest that this variant is likely to be tolerated. ClinVar contains an entry for this variant (Variation ID: 204053).

Clinical Biochemistry Laboratory, Health Services Laboratory
Classification: Uncertain significance for Primary hyperoxaluria, type I. Last evaluated: 2014-11-27. Review status: no assertion criteria provided. Collection method: research. Allele origin: germline. Affected: yes. Not counted in ClinVar's aggregate classification.

Literature cited by the submitters: PubMed 19479957 (cited by Labcorp Genetics (formerly Invitae), Labcorp and Clinical Biochemistry Laboratory, Health Services Laboratory); PubMed 24718375 (cited by Labcorp Genetics (formerly Invitae), Labcorp and Clinical Biochemistry Laboratory, Health Services Laboratory).

NM_000030.3(AGXT):c.845A>G (p.Gln282Arg)

Gene: AGXT (alanine--glyoxylate aminotransferase; plus strand). Cytogenetic location: 2q37.3.
Variant type: single nucleotide variant.
Coding change: c.845A>G on transcript NM_000030.3 (MANE Select); coding-DNA position 845, A replaced by G.
Protein change: p.Gln282Arg; replaces glutamine 282 with arginine.
Molecular consequence: missense variant.
Genome position (GRCh38, 1-based): chr2:240,876,003, A>G. VCF-style: chr2-240876003-A-G. GRCh37 (hg19) VCF-style: chr2-241815420-A-G.
Other names: short protein forms Q282R.
Identifiers: ClinVar variation 204053 (VCV000204053.6), dbSNP rs180177280, ClinGen allele CA275595.